The following is an entry in ClinVar:

NM_004655.4(AXIN2):c.773C>T (p.Thr258Met)

Gene: AXIN2 (axin 2; minus strand). Cytogenetic location: 17q24.1.
Variant type: single nucleotide variant.
Coding change: c.773C>T on transcript NM_004655.4 (MANE Select); coding-DNA position 773, C replaced by T.
Protein change: p.Thr258Met; replaces threonine 258 with methionine.
Molecular consequence: missense variant.
Genome position (GRCh38, 1-based): chr17:65,557,848, G>A on the plus strand (C>T on the coding strand, the complement: AXIN2 is on the minus strand). VCF-style: chr17-65557848-G-A. GRCh37 (hg19) VCF-style: chr17-63553966-G-A.
Other names: c.773C>T, p.Thr258Met (NM_001363813.1); short protein forms T258M.
Identifiers: ClinVar variation 835673 (VCV000835673.14), dbSNP rs1473358053, ClinGen allele CA400680307.

ClinVar aggregate classification (germline): Uncertain significance. Review status: criteria provided, multiple submitters, no conflicts (2 of 4 stars). 4 submissions from 4 submitters: Uncertain significance (4). Last evaluated 2025-05-26.

Conditions:
Colorectal cancer. Also called: Colorectal cancer, somatic; Malignant Colorectal Neoplasm. Identifiers: MedGen C0346629, MONDO:0005575, OMIM 114500.
Oligodontia-cancer predisposition syndrome. Also called: TOOTH AGENESIS-COLORECTAL CANCER SYNDROME. Identifiers: Orphanet 300576, MedGen C1837750, MONDO:0012075, OMIM 608615. Disease mechanism: loss of function.
Hereditary cancer-predisposing syndrome. Also called: Hereditary neoplastic syndrome; Neoplastic Syndromes, Hereditary; Tumor predisposition; Hereditary Cancer Syndrome. Identifiers: Orphanet 140162, MedGen C0027672, MeSH D009386, MONDO:0015356.

Allele frequency attached by ClinVar (database versions not stated): gnomAD 0.00001; gnomAD exomes 0.00001; TOPMed 0.00001.
gnomAD v4.1: 12 of 1,614,146 alleles (0.00074%); highest among the groups gnomAD compares: Middle Eastern, 0.016%; no homozygotes.

Submissions (4):

Labcorp Genetics (formerly Invitae), Labcorp
Classification: Uncertain significance for Oligodontia-cancer predisposition syndrome. Last evaluated: 2025-05-26. Review status: criteria provided, single submitter. Criteria: Invitae Variant Classification Sherloc (09022015). Collection method: clinical testing. Allele origin: germline.
Comment: This sequence change replaces threonine, which is neutral and polar, with methionine, which is neutral and non-polar, at codon 258 of the AXIN2 protein (p.Thr258Met). This variant is present in population databases (no rsID available, gnomAD 0.006%). This variant has not been reported in the literature in individuals affected with AXIN2-related conditions. ClinVar contains an entry for this variant (Variation ID: 835673). Invitae Evidence Modeling of protein sequence and biophysical properties (such as structural, functional, and spatial information, amino acid conservation, physicochemical variation, residue mobility, and thermodynamic stability) has been performed for this missense variant. However, the output from this modeling did not meet the statistical confidence thresholds required to predict the impact of this variant on AXIN2 protein function. In summary, the available evidence is currently insufficient to determine the role of this variant in disease. Therefore, it has been classified as a Variant of Uncertain Significance.

Ambry Genetics
Classification: Uncertain significance for Hereditary cancer-predisposing syndrome. Last evaluated: 2025-05-07. Review status: criteria provided, single submitter. Criteria: Ambry Variant Classification Scheme 2023. Collection method: clinical testing. Allele origin: germline.
Comment: The p.T258M variant (also known as c.773C>T), located in coding exon 1 of the AXIN2 gene, results from a C to T substitution at nucleotide position 773. The threonine at codon 258 is replaced by methionine, an amino acid with similar properties. This amino acid position is well conserved in available vertebrate species. In addition, the in silico prediction for this alteration is inconclusive. Based on the available evidence, the clinical significance of this variant remains unclear.

Baylor Genetics
Classification: Uncertain significance for Colorectal cancer. Last evaluated: 2024-03-21. Review status: criteria provided, single submitter. Criteria: ACMG Guidelines, 2015. Collection method: clinical testing. Allele origin: unknown.

Sema4
Classification: Uncertain significance for Hereditary cancer-predisposing syndrome. Last evaluated: 2022-01-18. Review status: criteria provided, single submitter. Criteria: Sema4 Curation Guidelines. Collection method: curation. Allele origin: germline.
Comment: The AXIN2 c.773C>T (p.T258M) variant has not been reported in the literature to our knowledge. It was observed in 2/30616 chromosomes of the South Asian subpopulation in the large and broad cohorts of the Genome Aggregation Database (PMID: 32461654). This variant has been reported in ClinVar (Variation ID 835673). Functional studies have not been performed, and in silico predictions of the variant's effect on protein function are inconclusive. The evidence is insufficient to meet ACMG/AMP criteria for classifying the variant as benign or pathogenic. Thus, the clinical significance of this variant is currently uncertain.